The following is an entry in ClinVar:

NM_206965.2(FTCD):c.1252G>A (p.Ala418Thr)

Gene: FTCD (formimidoyltransferase cyclodeaminase; minus strand). Cytogenetic location: 21q22.3.
Variant type: single nucleotide variant.
Coding change: c.1252G>A on transcript NM_206965.2 (MANE Select); coding-DNA position 1252, G replaced by A.
Protein change: p.Ala418Thr; replaces alanine 418 with threonine.
Molecular consequence: missense variant.
Genome position (GRCh38, 1-based): chr21:46,145,425, C>T on the plus strand (G>A on the coding strand, the complement: FTCD is on the minus strand). VCF-style: chr21-46145425-C-T. GRCh37 (hg19) VCF-style: chr21-47565339-C-T.
Other names: c.1252G>A (NM_006657.2); c.1252G>A, p.Ala418Thr (NM_001320412.2, NM_006657.3); short protein forms A418T.
Identifiers: ClinVar variation 2196296 (VCV002196296.2), dbSNP rs149792963, ClinGen allele CA10073582.

ClinVar aggregate classification (germline): Uncertain significance. Review status: criteria provided, multiple submitters, no conflicts (2 of 4 stars). 2 submissions from 2 submitters: Uncertain significance (2). Last evaluated 2025-10-14.

Conditions:
Inborn genetic diseases. Identifiers: MedGen C0950123, MeSH D030342.
Glutamate formiminotransferase deficiency. Also called: Arakawa syndrome 1; Formiminoglutamic aciduria. Identifiers: Orphanet 51208, MedGen C0268609, MONDO:0009240, OMIM 229100.

Allele frequency attached by ClinVar (database versions not stated): gnomAD exomes 0.00001; gnomAD 0.00005; ExAC 0.00007; TOPMed 0.00007; 1000 Genomes Project 30x 0.00016; ESP Exome Variant Server 0.00016.
gnomAD v4.1: 16 of 1,551,526 alleles (0.001%); highest among the groups gnomAD compares: African/African-American, 0.018%; no homozygotes.

Submissions (2):

Ambry Genetics
Classification: Uncertain significance for Inborn genetic diseases. Last evaluated: 2025-10-14. Review status: criteria provided, single submitter. Criteria: Ambry Variant Classification Scheme 2023. Collection method: clinical testing. Allele origin: germline.

Labcorp Genetics (formerly Invitae), Labcorp
Classification: Uncertain significance for Glutamate formiminotransferase deficiency. Last evaluated: 2022-08-22. Review status: criteria provided, single submitter. Criteria: Invitae Variant Classification Sherloc (09022015). Collection method: clinical testing. Allele origin: germline.
Comment: This sequence change replaces alanine, which is neutral and non-polar, with threonine, which is neutral and polar, at codon 418 of the FTCD protein (p.Ala418Thr). The frequency data for this variant in the population databases is considered unreliable, as metrics indicate poor data quality at this position in the gnomAD database. This variant has not been reported in the literature in individuals affected with FTCD-related conditions. Algorithms developed to predict the effect of missense changes on protein structure and function output the following: SIFT: "Deleterious"; PolyPhen-2: "Benign"; Align-GVGD: "Class C0". The threonine amino acid residue is found in multiple mammalian species, which suggests that this missense change does not adversely affect protein function. In summary, the available evidence is currently insufficient to determine the role of this variant in disease. Therefore, it has been classified as a Variant of Uncertain Significance.